The following is an entry in ClinVar:

ClinVar aggregate classification (germline): Likely benign (1 of 4 stars; one submission).

gnomAD v4.1: 13 of 1,613,892 alleles (0.00081%); highest among the groups gnomAD compares: African/African-American, 0.017%; no homozygotes.

Submission:

CeGaT Center for Human Genetics Tuebingen
Classification: Likely benign. Last evaluated: 2026-03-01. Review status: criteria provided, single submitter. Criteria: CeGaT Center For Human Genetics Tuebingen Variant Classification Criteria Version 2. Collection method: clinical testing. Allele origin: germline. Affected: yes. Observed: 1 variant allele.
Comment: CHD5: BP4, BP7

NM_015557.3(CHD5):c.4002C>T (p.Asp1334=)

Gene: CHD5 (chromodomain helicase DNA binding protein 5; minus strand). Cytogenetic location: 1p36.31.
Variant type: single nucleotide variant.
Coding change: c.4002C>T on transcript NM_015557.3 (MANE Select); coding-DNA position 4002, C replaced by T.
Protein change: p.Asp1334=; no amino-acid change (aspartic acid 1334 retained).
Molecular consequence: synonymous variant.
Genome position (GRCh38, 1-based): chr1:6,126,648, G>A on the plus strand (C>T on the coding strand, the complement: CHD5 is on the minus strand). VCF-style: chr1-6126648-G-A. GRCh37 (hg19) VCF-style: chr1-6186708-G-A.
Identifiers: ClinVar variation 4823592 (VCV004823592.4).
Genomic context (GRCh38, chr1:6,126,648, plus strand): 5'-GGCATCGTTGTAGTTGACCTGCTTGCGGATGCGCTTGCCCTTGCCCAGGTTGCGGGCCAG[G>A]TCCTCCTGCTGCTGCTCATAGTGGTGCCGCAGCAGCTTCTCCCAGTAGTCGGGGTCCACG-3'
Protein context (NP_056372.1, residues 1324-1344): LRHHYEQQQE[Asp1334=]LARNLGKGKR